The following is an entry in ClinVar:

ClinVar aggregate classification (germline): Uncertain significance. Review status: criteria provided, multiple submitters, no conflicts (2 of 4 stars). 5 submissions from 5 submitters: Uncertain significance (5). Last evaluated 2025-05-21.

Conditions:
Cardiomyopathy, dilated, 2E. Identifiers: MedGen C5561970, MONDO:0030366, OMIM 619492.
Hypertrophic cardiomyopathy 17. Identifiers: MedGen C3151264, MONDO:0013474, OMIM 613873.
JPH2-related disorder. Also called: JPH2-related condition.
Hypertrophic cardiomyopathy. Also called: HYPERTROPHIC MYOCARDIOPATHY. Identifiers: Orphanet 217569, MedGen C0007194, MeSH D002312, MONDO:0005045, HP:0001639.
Cardiovascular phenotype. Identifiers: MedGen CN230736.

Allele frequency attached by ClinVar (database versions not stated): TOPMed 0.00003; ESP Exome Variant Server 0.00023; ExAC 0.00001; gnomAD exomes 0.00001 and 0.00002; gnomAD 0.00003.
gnomAD v4.1: 22 of 1,611,708 alleles (0.0014%); highest among the groups gnomAD compares: Non-Finnish European, 0.0018%; no homozygotes.

Submissions (5):

PreventionGenetics, part of Exact Sciences
Classification: Uncertain significance for JPH2-related condition. Last evaluated: 2025-05-21. Review status: criteria provided, single submitter. Criteria: ACMG Guidelines, 2015. Collection method: clinical testing. Allele origin: germline.
Comment: The JPH2 c.77A>G variant is predicted to result in the amino acid substitution p.His26Arg. To our knowledge, this variant has not been reported in the literature. This variant is reported in 0.0081% of alleles in individuals of African descent in gnomAD. At this time, the clinical significance of this variant is uncertain due to the absence of conclusive functional and genetic evidence.

Labcorp Genetics (formerly Invitae), Labcorp
Classification: Uncertain significance for Hypertrophic cardiomyopathy. Last evaluated: 2025-02-25. Review status: criteria provided, single submitter. Criteria: Invitae Variant Classification Sherloc (09022015). Collection method: clinical testing. Allele origin: germline.
Comment: This sequence change replaces histidine, which is basic and polar, with arginine, which is basic and polar, at codon 26 of the JPH2 protein (p.His26Arg). The frequency data for this variant in the population databases is considered unreliable, as metrics indicate poor data quality at this position in the gnomAD database. This variant has not been reported in the literature in individuals affected with JPH2-related conditions. ClinVar contains an entry for this variant (Variation ID: 1406792). An algorithm developed to predict the effect of missense changes on protein structure and function (PolyPhen-2) suggests that this variant is likely to be disruptive. In summary, the available evidence is currently insufficient to determine the role of this variant in disease. Therefore, it has been classified as a Variant of Uncertain Significance.

Blueprint Genetics
Classification: Uncertain significance. Last evaluated: 2024-05-29. Review status: criteria provided, single submitter. Criteria: ACMG Guidelines, 2015. Collection method: clinical testing. Allele origin: germline.

Ambry Genetics
Classification: Uncertain significance for Cardiovascular phenotype. Last evaluated: 2023-08-29. Review status: criteria provided, single submitter. Criteria: Ambry Variant Classification Scheme 2023. Collection method: clinical testing. Allele origin: germline.
Comment: The p.H26R variant (also known as c.77A>G), located in coding exon 1 of the JPH2 gene, results from an A to G substitution at nucleotide position 77. The histidine at codon 26 is replaced by arginine, an amino acid with highly similar properties. This amino acid position is highly conserved in available vertebrate species. In addition, the in silico prediction for this alteration is inconclusive. Since supporting evidence is limited at this time, the clinical significance of this alteration remains unclear.

Fulgent Genetics
Classification: Uncertain significance for Hypertrophic cardiomyopathy 17; Cardiomyopathy, dilated, 2E. Last evaluated: 2021-09-07. Review status: criteria provided, single submitter. Criteria: ACMG Guidelines, 2015. Collection method: clinical testing. Allele origin: unknown.

NM_020433.5(JPH2):c.77A>G (p.His26Arg)

Gene: JPH2 (junctophilin 2; minus strand). Cytogenetic location: 20q13.12.
Variant type: single nucleotide variant.
Coding change: c.77A>G on transcript NM_020433.5 (MANE Select); coding-DNA position 77, A replaced by G.
Protein change: p.His26Arg; replaces histidine 26 with arginine.
Molecular consequence: missense variant.
Genome position (GRCh38, 1-based): chr20:44,186,629, T>C on the plus strand (A>G on the coding strand, the complement: JPH2 is on the minus strand). VCF-style: chr20-44186629-T-C. GRCh37 (hg19) VCF-style: chr20-42815269-T-C.
Other names: c.77A>G, p.His26Arg (NM_175913.4); short protein forms H26R.
Identifiers: ClinVar variation 1406792 (VCV001406792.11), dbSNP rs141664528, ClinGen allele CA9868930.